The following is an entry in ClinVar:

NC_000001.11:g.(?_193122191)_(193122341_?)del

Gene: CDC73 (cell division cycle 73; plus strand). Cytogenetic location: 1q31.2.
Variant type: Deletion.
Identifiers: ClinVar variation 583491 (VCV000583491.7).

ClinVar aggregate classification (germline): Pathogenic (1 of 4 stars; one submission).

Conditions:
Parathyroid carcinoma (PRTC). Also called: CDC73-Related Parathyroid Carcinoma; Parathyroid gland carcinoma. Identifiers: Orphanet 143, MedGen C0687150, MONDO:0012004, OMIM 608266, HP:0006780.

Submission:

Labcorp Genetics (formerly Invitae), Labcorp
Classification: Pathogenic for Parathyroid carcinoma. Last evaluated: 2021-08-12. Review status: criteria provided, single submitter. Criteria: Invitae Variant Classification Sherloc (09022015). Collection method: clinical testing. Allele origin: germline.
Comment: This variant is a gross deletion of the genomic region encompassing exon(s) 1 of the CDC73 gene, which includes the initiator codon. This deletion extends beyond the assayed region for this gene and therefore may encompass additional genes. It is expected to result in an absent or disrupted protein product. Loss-of-function variants in CDC73 are known to be pathogenic (PMID: 12434154). A similar copy number variant has been observed in individual(s) with parathyroid adenoma and/or parathyroid carcinoma (PMID: 26650250, 29040582). For these reasons, this variant has been classified as Pathogenic.

Literature cited by the submitters: PubMed 12434154; PubMed 26650250; PubMed 29040582.